The following is an entry in ClinVar:

ClinVar aggregate classification (germline): Conflicting classifications of pathogenicity. Review status: criteria provided, conflicting classifications (1 of 4 stars). 6 submissions from 6 submitters: Uncertain significance (2); Likely benign (3). 1 of the submissions does not count toward it. Last evaluated 2025-12-24.

Conditions:
Congenital malabsorptive diarrhea 4. Also called: DIARRHEA 4, MALABSORPTIVE, CONGENITAL, WITH DIABETES MELLITUS AND COMBINED PITUITARY HORMONE DEFICIENCY; ENTERIC ANENDOCRINOSIS. Identifiers: Orphanet 83620, MedGen C1835888, MONDO:0012479, OMIM 610370, HP:6001346.
NEUROG3-related disorder. Also called: NEUROG3-related condition.
Inborn genetic diseases. Identifiers: MedGen C0950123, MeSH D030342.

Allele frequency attached by ClinVar (database versions not stated): ESP Exome Variant Server 0.00023; gnomAD exomes 0.00031 and 0.00045; ExAC 0.00046; gnomAD 0.00049 and 0.00050; TOPMed 0.00070; 1000 Genomes Project 30x 0.00109; 1000 Genomes Project 0.00120.

Submissions (6):

Labcorp Genetics (formerly Invitae), Labcorp
Classification: Likely benign. Last evaluated: 2025-12-24. Review status: criteria provided, single submitter. Criteria: Invitae Variant Classification Sherloc (09022015). Collection method: clinical testing. Allele origin: germline.

Ambry Genetics
Classification: Uncertain significance for Inborn genetic diseases. Last evaluated: 2025-08-06. Review status: criteria provided, single submitter. Criteria: Ambry Variant Classification Scheme 2023. Collection method: clinical testing. Allele origin: germline.

Blueprint Genetics
Classification: Likely benign. Last evaluated: 2024-07-09. Review status: criteria provided, single submitter. Criteria: ACMG Guidelines, 2015. Collection method: clinical testing. Allele origin: germline.

ARUP Laboratories, Molecular Genetics and Genomics, ARUP Laboratories
Classification: Uncertain significance for Congenital malabsorptive diarrhea 4. Last evaluated: 2024-01-30. Review status: criteria provided, single submitter. Criteria: ARUP Molecular Germline Variant Investigation Process 2024. Collection method: clinical testing. Allele origin: germline.
Comment: The NEUROG3 c.46G>C; p.Glu16Gln variant (rs146974265), to our knowledge, is not reported in the medical literature but is reported in ClinVar (Variation ID: 1046744). This variant is found in the general population with an overall allele frequency of 0.04% (120/278048 alleles, including 1 homozygotes) in the Genome Aggregation Database (v2.1.1). Computational analyses are uncertain whether this variant is neutral or deleterious (REVEL: 0.213). Due to limited information, the clinical significance of this variant is uncertain at this time.

Breakthrough Genomics
Classification: Likely benign. Review status: criteria provided, single submitter. Criteria: ACMG Guidelines, 2015. Collection method: not provided. Allele origin: germline. Inheritance: Autosomal recessive inheritance. Affected: yes.

PreventionGenetics, part of Exact Sciences
Classification: Uncertain significance for NEUROG3-related condition. Last evaluated: 2024-05-02. Review status: no assertion criteria provided. Collection method: clinical testing. Allele origin: germline. Not counted in ClinVar's aggregate classification.
Comment: The NEUROG3 c.46G>C variant is predicted to result in the amino acid substitution p.Glu16Gln. To our knowledge, this variant has not been reported in the literature. This variant is reported in 0.14% of alleles in individuals of Ashkenazi Jewish descent in gnomAD. Although we suspect that this variant may be benign, at this time, the clinical significance of this variant is uncertain due to the absence of conclusive functional and genetic evidence.

NM_020999.4(NEUROG3):c.46G>C (p.Glu16Gln)

Gene: NEUROG3 (neurogenin 3; minus strand). Cytogenetic location: 10q22.1.
Variant type: single nucleotide variant.
Coding change: c.46G>C on transcript NM_020999.4 (MANE Select); coding-DNA position 46, G replaced by C.
Protein change: p.Glu16Gln; replaces glutamic acid 16 with glutamine.
Molecular consequence: missense variant.
Genome position (GRCh38, 1-based): chr10:69,572,998, C>G on the plus strand (G>C on the coding strand, the complement: NEUROG3 is on the minus strand). VCF-style: chr10-69572998-C-G. GRCh37 (hg19) VCF-style: chr10-71332754-C-G.
Other names: c.46G>C (NM_020999.3); short protein forms E16Q.
Identifiers: ClinVar variation 1046744 (VCV001046744.15), dbSNP rs146974265, ClinGen allele CA5533794.
Genomic context (GRCh38, chr10:69,572,998, plus strand): 5'-GGGCGGACGTGGGGCAGGTCACTTCGTCTTCCGAGGCTCTGGGGAAGGACCGCTCCGTCT[C>G]ACGGGTCACTTGGACAGTGGGCGCACCCGAGGGTTGAGGCGTCATCCTACGGCGGGGTCA-3'
Protein context (NP_066279.2, residues 6-26): SGAPTVQVTR[Glu16Gln]TERSFPRASE